The following is an entry in ClinVar:

ClinVar aggregate classification (germline): Uncertain significance (1 of 4 stars; one submission).

Conditions:
Cardiac arrhythmia. Also called: Arrhythmia; Cardiac rhythm disease. Identifiers: MedGen C0003811, MONDO:0007263, HP:0011675.

Allele frequency attached by ClinVar (database versions not stated): gnomAD exomes 0.00001.
gnomAD v4.1: 20 of 1,613,608 alleles (0.0012%); highest among the groups gnomAD compares: Non-Finnish European, 0.0017%; no homozygotes.

Submission:

Labcorp Genetics (formerly Invitae), Labcorp
Classification: Uncertain significance for Cardiac arrhythmia. Last evaluated: 2023-02-14. Review status: criteria provided, single submitter. Criteria: Invitae Variant Classification Sherloc (09022015). Collection method: clinical testing. Allele origin: germline.
Comment: In summary, the available evidence is currently insufficient to determine the role of this variant in disease. Therefore, it has been classified as a Variant of Uncertain Significance. Algorithms developed to predict the effect of missense changes on protein structure and function are either unavailable or do not agree on the potential impact of this missense change (SIFT: "Tolerated"; PolyPhen-2: "Possibly Damaging"; Align-GVGD: "Class C0"). This variant has not been reported in the literature in individuals affected with RANGRF-related conditions. This variant is not present in population databases (gnomAD no frequency). This sequence change replaces phenylalanine, which is neutral and non-polar, with isoleucine, which is neutral and non-polar, at codon 68 of the RANGRF protein (p.Phe68Ile).

NM_016492.5(RANGRF):c.202T>A (p.Phe68Ile)

Genes: RANGRF (RAN guanine nucleotide release factor; plus strand), SLC25A35 (solute carrier family 25 member 35; minus strand). Cytogenetic location: 17p13.1.
Variant type: single nucleotide variant.
Coding change: c.202T>A on transcript NM_016492.5 (MANE Select); coding-DNA position 202, T replaced by A.
Protein change: p.Phe68Ile; replaces phenylalanine 68 with isoleucine.
Molecular consequence: missense variant. On other transcripts: 3 prime UTR variant (2), non-coding transcript variant (2), intron variant (1).
Genome position (GRCh38, 1-based): chr17:8,289,265, T>A. VCF-style: chr17-8289265-T-A. GRCh37 (hg19) VCF-style: chr17-8192583-T-A.
Other names: c.202T>A, p.Phe68Ile (NM_001177801.2, NM_001177802.2, NM_001330127.2); c.*218A>T (NM_001320872.2); c.*351A>T (NM_201520.3); c.*42+309A>T (NM_001320871.2); short protein forms F68I.
Identifiers: ClinVar variation 2713459 (VCV002713459.3), dbSNP rs2543867869, ClinGen allele CA397994625.
Genomic context (GRCh38, chr17:8,289,265, plus strand): 5'-TCCCGGGGAGGCGACCAGAGATGTCCCTTCCTGACCCCGCTTCCCTACTCCAGGTACCAC[T>A]TTGAGGATGTTGGTGGCGTGCAGGGGGCTAGGGCTGTCCATGTGGAGTCTGTTCAGCCTC-3'
Protein context (NP_057576.2, residues 58-78): VRGEAAARYH[Phe68Ile]EDVGGVQGAR